The following is an entry in ClinVar:

ClinVar aggregate classification (germline): Uncertain significance (1 of 4 stars; one submission).

Submission:

GeneDx
Classification: Uncertain significance. Last evaluated: 2015-01-19. Review status: criteria provided, single submitter. Criteria: GeneDx Variant Classification (06012015). Collection method: clinical testing. Allele origin: germline. Affected: yes.
Comment: p.Gly1030Arg (GGG>CGG): c.3088 G>C in exon 24 of the FBN2 gene (NM_001999.3) The G1030R variant has not been published as a mutation, nor has it been reported as a benign polymorphism to our knowledge. The G1030R variant was not observed in approximately 6,500 individuals of European and African American ancestry in the NHLBI Exome Sequencing Project, indicating it is not a common benign variant in these populations. The G1030R variant is a non-conservative amino acid substitution, which is likely to impact secondary protein structure as these residues differ in polarity, charge, size and/or other properties. This substitution occurs at a position that is conserved across species. In silico analysis predicts this variant is probably damaging to the protein structure/function. However, no missense mutations in nearby residues have been reported in association with CCA, indicating that this region of the protein may be tolerant of change. Therefore, based on the currently available information, it is unclear whether this variant is a pathogenic mutation or a rare benign variant. This variant was found in TAADV2-1

NM_001999.4(FBN2):c.3088G>C (p.Gly1030Arg)

Genes: FBN2 (fibrillin 2; minus strand), LOC126807501 (BRD4-independent group 4 enhancer GRCh37_chr5:127680731-127681930; plus strand). Cytogenetic location: 5q23.3.
Variant type: single nucleotide variant.
Coding change: c.3088G>C on transcript NM_001999.4 (MANE Select); coding-DNA position 3088, G replaced by C.
Protein change: p.Gly1030Arg; replaces glycine 1030 with arginine.
Molecular consequence: missense variant.
Genome position (GRCh38, 1-based): chr5:128,345,486, C>G on the plus strand (G>C on the coding strand, the complement: FBN2 is on the minus strand). VCF-style: chr5-128345486-C-G. GRCh37 (hg19) VCF-style: chr5-127681178-C-G.
Other names: short protein forms G1030R.
Identifiers: ClinVar variation 213394 (VCV000213394.2), dbSNP rs863223600, ClinGen allele CA325150.